The following is an entry in ClinVar:

NM_001127671.2(LIFR):c.2009G>A (p.Cys670Tyr)

Gene: LIFR (LIF receptor subunit alpha; minus strand). Cytogenetic location: 5p13.1.
Variant type: single nucleotide variant.
Coding change: c.2009G>A on transcript NM_001127671.2 (MANE Select); coding-DNA position 2009, G replaced by A.
Protein change: p.Cys670Tyr; replaces cysteine 670 with tyrosine.
Molecular consequence: missense variant.
Genome position (GRCh38, 1-based): chr5:38,493,662, C>T on the plus strand (G>A on the coding strand, the complement: LIFR is on the minus strand). VCF-style: chr5-38493662-C-T. GRCh37 (hg19) VCF-style: chr5-38493764-C-T.
Other names: c.2009G>A, p.Cys670Tyr (NM_001364297.2, NM_001364298.2, NM_002310.6); short protein forms C670Y.
Identifiers: ClinVar variation 1971644 (VCV001971644.5), dbSNP rs919236709, ClinGen allele CA117148658.
Genomic context (GRCh38, chr5:38,493,662, plus strand): 5'-TTACCAGATTCTATTACAGTTTCAGTGCTGTTTGAGGGAACTTTTCTCCAGTCCATAAGG[C>T]ATGGTTCCGACCGAGACGAGTTACACCACTTAATGACGTAGTCGCAAGTCATGTTGGGGT-3'
Protein context (NP_001121143.1, residues 660-680): KWCNSSRSEP[Cys670Tyr]LMDWRKVPSN

ClinVar aggregate classification (germline): Uncertain significance (1 of 4 stars; one submission).

Allele frequency attached by ClinVar (database versions not stated): TOPMed below 0.00001.
gnomAD v4.1: 3 of 1,614,172 alleles (0.00019%); highest among the groups gnomAD compares: Admixed American, 0.0017%; no homozygotes.

Submission:

Labcorp Genetics (formerly Invitae), Labcorp
Classification: Uncertain significance. Last evaluated: 2023-08-17. Review status: criteria provided, single submitter. Criteria: Invitae Variant Classification Sherloc (09022015). Collection method: clinical testing. Allele origin: germline.
Comment: This sequence change replaces cysteine, which is neutral and slightly polar, with tyrosine, which is neutral and polar, at codon 670 of the LIFR protein (p.Cys670Tyr). This variant is not present in population databases (gnomAD no frequency). This variant has not been reported in the literature in individuals affected with LIFR-related conditions. ClinVar contains an entry for this variant (Variation ID: 1971644). An algorithm developed to predict the effect of missense changes on protein structure and function (PolyPhen-2) suggests that this variant is likely to be disruptive. In summary, the available evidence is currently insufficient to determine the role of this variant in disease. Therefore, it has been classified as a Variant of Uncertain Significance.